The following is an entry in ClinVar:

ClinVar aggregate classification (germline): Likely benign. Review status: criteria provided, multiple submitters, no conflicts (2 of 4 stars). 2 submissions from 2 submitters: Likely benign (2). Last evaluated 2025-08-03.

Conditions:
Dilated cardiomyopathy 1O (CMD1O). Also called: CARDIOMYOPATHY, DILATED, WITH VENTRICULAR TACHYCARDIA. Identifiers: Orphanet 154, MedGen C1837839, MONDO:0012062, OMIM 608569.

gnomAD v4.1: 18 of 1,550,452 alleles (0.0012%); highest among the groups gnomAD compares: Admixed American, 0.0084%; no homozygotes.

Submissions (2):

Labcorp Genetics (formerly Invitae), Labcorp
Classification: Likely benign for Dilated cardiomyopathy 1O. Last evaluated: 2025-08-03. Review status: criteria provided, single submitter. Criteria: Invitae Variant Classification Sherloc (09022015). Collection method: clinical testing. Allele origin: germline.

GeneDx
Classification: Likely benign. Last evaluated: 2018-04-27. Review status: criteria provided, single submitter. Criteria: GeneDx Variant Classification (06012015). Collection method: clinical testing. Allele origin: germline. Affected: yes.
Comment: This variant is considered likely benign or benign based on one or more of the following criteria: it is a conservative change, it occurs at a poorly conserved position in the protein, it is predicted to be benign by multiple in silico algorithms, and/or has population frequency not consistent with disease.

NM_020297.4(ABCC9):c.3567-20C>T

Genes: ABCC9 (ATP binding cassette subfamily C member 9; minus strand), KCNJ8-AS1 (KCNJ8 antisense RNA 1; plus strand). Cytogenetic location: 12p12.1.
Variant type: single nucleotide variant.
Coding change: c.3567-20C>T on transcript NM_020297.4 (MANE Select); 20 bases into the intron before coding-DNA position 3567, C replaced by T.
Molecular consequence: intron variant.
Genome position (GRCh38, 1-based): chr12:21,829,080, G>A on the plus strand (C>T on the coding strand, the complement: ABCC9 is on the minus strand). VCF-style: chr12-21829080-G-A. GRCh37 (hg19) VCF-style: chr12-21982014-G-A.
Other names: c.2700-20C>T (NM_001377274.1); c.3567-20C>T (NM_005691.4, NM_001377273.1).
Identifiers: ClinVar variation 682316 (VCV000682316.4), dbSNP rs74735818, ClinGen allele CA6481088.